The following is an entry in ClinVar:

NM_000237.3(LPL):c.339_342del (p.Trp113fs)

Gene: LPL (lipoprotein lipase; plus strand). Cytogenetic location: 8p21.3.
Variant type: Deletion.
Coding change: c.339_342del on transcript NM_000237.3 (MANE Select); coding-DNA positions 339 to 342, 4 bases deleted (GCTG; older notation c.339_342delGCTG).
Protein change: p.Trp113fs; shifts the reading frame from tryptophan 113.
Molecular consequence: frameshift variant.
Genome position (GRCh38, 1-based): chr8:19,951,858-19,951,861, GCTG deleted; deleting any 4 consecutive bases within chr8:19,951,855-19,951,861 gives the same sequence; the c. name uses the placement nearest the transcript's 3' end. VCF-style (leftmost placement, unchanged base first): chr8-19951854-ACTGG-A. GRCh37 (hg19) VCF-style: chr8-19809365-ACTGG-A.
Other names: c.339_342delGCTG (NM_000237.3); short protein forms W113fs.
Identifiers: ClinVar variation 4856687 (VCV004856687.1).

ClinVar aggregate classification (germline): Likely pathogenic (1 of 4 stars; one submission).

Conditions:
Hyperlipoproteinemia, type I. Also called: HYPERLIPOPROTEINEMIA, TYPE IA; LPL DEFICIENCY; Lipase D deficiency; Familial Lipoprotein Lipase Deficiency; Hyperlipoproteinemia type 1; Hyperchylomicro-nemia familial. Identifiers: Orphanet 309015, Orphanet 444490, MedGen C0023817, MONDO:0009387, OMIM 238600. Disease mechanism: loss of function.

Submission:

Cardiovascular Genetics Laboratory, PathWest Laboratory Medicine WA - Fiona Stanley Hospital
Classification: Likely pathogenic for Hyperlipoproteinemia, type I. Last evaluated: 2023-02-10. Review status: criteria provided, single submitter. Criteria: ACMG Guidelines, 2015. Collection method: clinical testing. Allele origin: germline.
Comment: The LPL p.Trp113Cysfs*58 frameshift variant has not previously been reported and is absent from the gnomAD population database (~250,000 alleles). This 4 nucleotide deletion is predicted to cause loss of normal protein function through protein truncation (with the loss of the C-terminal 76% of the protein) and nonsense-mediated mRNA decay.